The following is an entry in ClinVar:

ClinVar aggregate classification (germline): Likely benign (1 of 4 stars; one submission).

Allele frequency attached by ClinVar (database versions not stated): TOPMed 0.00007; gnomAD 0.00013; ExAC 0.00037; 1000 Genomes Project 30x 0.00125; 1000 Genomes Project 0.00160.
gnomAD v4.1: 298 of 1,607,968 alleles (0.019%); highest among the groups gnomAD compares: South Asian, 0.19%; 1 homozygote.

Submission:

CeGaT Center for Human Genetics Tuebingen
Classification: Likely benign. Last evaluated: 2022-04-01. Review status: criteria provided, single submitter. Criteria: CeGaT Center For Human Genetics Tuebingen Variant Classification Criteria Version 2. Collection method: clinical testing. Allele origin: germline. Affected: yes. Observed: 1 variant allele.
Comment: MFSD12: BP4

NM_174983.5(MFSD12):c.1112C>T (p.Ala371Val)

Gene: MFSD12 (major facilitator superfamily domain containing 12; minus strand). Cytogenetic location: 19p13.3.
Variant type: single nucleotide variant.
Coding change: c.1112C>T on transcript NM_174983.5 (MANE Select); coding-DNA position 1112, C replaced by T.
Protein change: p.Ala371Val; replaces alanine 371 with valine.
Molecular consequence: missense variant.
Genome position (GRCh38, 1-based): chr19:3,546,337, G>A on the plus strand (C>T on the coding strand, the complement: MFSD12 is on the minus strand). VCF-style: chr19-3546337-G-A. GRCh37 (hg19) VCF-style: chr19-3546335-G-A.
Other names: c.1085C>T, p.Ala362Val (NM_001287529.2); short protein forms A362V, A371V.
Identifiers: ClinVar variation 2648993 (VCV002648993.24), dbSNP rs567160205, ClinGen allele CA9079301.